The following is an entry in ClinVar:

NM_004055.5(CAPN5):c.131C>T (p.Thr44Met)

Gene: CAPN5 (calpain 5; plus strand). Cytogenetic location: 11q13.5.
Variant type: single nucleotide variant.
Coding change: c.131C>T on transcript NM_004055.5 (MANE Select); coding-DNA position 131, C replaced by T.
Protein change: p.Thr44Met; replaces threonine 44 with methionine.
Molecular consequence: missense variant.
Genome position (GRCh38, 1-based): chr11:77,085,017, C>T. VCF-style: chr11-77085017-C-T. GRCh37 (hg19) VCF-style: chr11-76796063-C-T.
Other names: c.131C>T (NM_004055.4); short protein forms T44M.
Identifiers: ClinVar variation 1462197 (VCV001462197.7), dbSNP rs200629808, ClinGen allele CA6196124.

ClinVar aggregate classification (germline): Uncertain significance. Review status: criteria provided, multiple submitters, no conflicts (2 of 4 stars). 2 submissions from 2 submitters: Uncertain significance (2). Last evaluated 2026-08-18.

Conditions:
Inborn genetic diseases. Identifiers: MedGen C0950123, MeSH D030342.

Allele frequency attached by ClinVar (database versions not stated): ExAC 0.00001; gnomAD 0.00001 and 0.00002; 1000 Genomes Project 30x 0.00016; 1000 Genomes Project 0.00020.
gnomAD v4.1: 24 of 1,613,492 alleles (0.0015%); highest among the groups gnomAD compares: African/African-American, 0.004%; no homozygotes.

Submissions (2):

Ambry Genetics
Classification: Uncertain significance for Inborn genetic diseases. Last evaluated: 2026-08-18. Review status: criteria provided, single submitter. Criteria: Ambry Variant Classification Scheme 2023. Collection method: clinical testing. Allele origin: germline.

Labcorp Genetics (formerly Invitae), Labcorp
Classification: Uncertain significance. Last evaluated: 2025-12-01. Review status: criteria provided, single submitter. Criteria: Invitae Variant Classification Sherloc (09022015). Collection method: clinical testing. Allele origin: germline.
Comment: This sequence change replaces threonine, which is neutral and polar, with methionine, which is neutral and non-polar, at codon 44 of the CAPN5 protein (p.Thr44Met). This variant is present in population databases (rs200629808, gnomAD 0.005%). This variant has not been reported in the literature in individuals affected with CAPN5-related conditions. ClinVar contains an entry for this variant (Variation ID: 1462197). Invitae Evidence Modeling of protein sequence and biophysical properties (such as structural, functional, and spatial information, amino acid conservation, physicochemical variation, residue mobility, and thermodynamic stability) indicates that this missense variant is not expected to disrupt CAPN5 protein function with a negative predictive value of 80%. In summary, the available evidence is currently insufficient to determine the role of this variant in disease. Therefore, it has been classified as a Variant of Uncertain Significance.